The following is an entry in ClinVar:

ClinVar aggregate classification (germline): Likely benign. Review status: criteria provided, single submitter (1 of 4 stars). 2 submissions from 2 submitters: Likely benign (1). 1 of the submissions does not count toward it. Last evaluated 2025-07-08.

Conditions:
PPOX-related disorder. Also called: PPOX-related condition.

Allele frequency attached by ClinVar (database versions not stated): ExAC 0.00001; gnomAD exomes 0.00001; TOPMed 0.00003; gnomAD 0.00004; ESP Exome Variant Server 0.00008.
gnomAD v4.1: 25 of 1,614,038 alleles (0.0015%); highest among the groups gnomAD compares: African/African-American, 0.004%; no homozygotes.

Submissions (2):

Labcorp Genetics (formerly Invitae), Labcorp
Classification: Likely benign. Last evaluated: 2025-07-08. Review status: criteria provided, single submitter. Criteria: Invitae Variant Classification Sherloc (09022015). Collection method: clinical testing. Allele origin: germline.

PreventionGenetics, part of Exact Sciences
Classification: Likely benign for PPOX-related condition. Last evaluated: 2020-04-02. Review status: no assertion criteria provided. Collection method: clinical testing. Allele origin: germline. Not counted in ClinVar's aggregate classification.
Comment: This variant is classified as likely benign based on ACMG/AMP sequence variant interpretation guidelines (Richards et al. 2015 PMID: 25741868, with internal and published modifications).

NM_001122764.3(PPOX):c.843C>T (p.His281=)

Gene: PPOX (protoporphyrinogen oxidase; plus strand). Cytogenetic location: 1q23.3.
Variant type: single nucleotide variant.
Coding change: c.843C>T on transcript NM_001122764.3 (MANE Select); coding-DNA position 843, C replaced by T.
Protein change: p.His281=; no amino-acid change (histidine 281 retained).
Molecular consequence: synonymous variant.
Genome position (GRCh38, 1-based): chr1:161,169,695, C>T. VCF-style: chr1-161169695-C-T. GRCh37 (hg19) VCF-style: chr1-161139485-C-T.
Other names: c.843C>T, p.His281= (NM_000309.5, NM_001365398.1, NM_001365399.1); c.744C>T, p.His248= (NM_001350128.2); c.435C>T, p.His145= (NM_001350129.2, NM_001365400.1); c.357C>T, p.His119= (NM_001350130.2, NM_001350131.2, NM_001365401.1); c.843C>T (NM_000309.3).
Identifiers: ClinVar variation 1095687 (VCV001095687.11), dbSNP rs150603927, ClinGen allele CA1207270.
Genomic context (GRCh38, chr1:161,169,695, plus strand): 5'-CTCTCAAATGTTTTCATGCTCTCAGGTATCTCTAAGGGACAGCAGTCTGGAGGCTGACCA[C>T]GTTATTAGTGCCATTCCAGCTTCAGGTAATGGAATAGCCACCTTCCCCTTCCCCAACCCC-3'
Protein context (NP_001116236.1, residues 271-291): SLRDSSLEAD[His281=]VISAIPASVL